The following is an entry in ClinVar:

ClinVar aggregate classification (germline): Uncertain significance (1 of 4 stars; one submission).

Conditions:
Hereditary cancer-predisposing syndrome. Also called: Tumor predisposition; Hereditary neoplastic syndrome; Neoplastic Syndromes, Hereditary; Hereditary Cancer Syndrome. Identifiers: Orphanet 140162, MedGen C0027672, MeSH D009386, MONDO:0015356.

Submission:

Ambry Genetics
Classification: Uncertain significance for Hereditary cancer-predisposing syndrome. Last evaluated: 2025-05-03. Review status: criteria provided, single submitter. Criteria: Ambry Variant Classification Scheme 2023. Collection method: clinical testing. Allele origin: germline.
Comment: The p.L1669S variant (also known as c.5006T>C), located in coding exon 10 of the BRCA2 gene, results from a T to C substitution at nucleotide position 5006. The leucine at codon 1669 is replaced by serine, an amino acid with dissimilar properties. This amino acid position is not well conserved in available vertebrate species. In addition, the in silico prediction for this alteration is inconclusive. Based on the available evidence, the clinical significance of this variant remains unclear.

NM_000059.4(BRCA2):c.5006T>C (p.Leu1669Ser)

Gene: BRCA2 (BRCA2 DNA repair associated; plus strand). Cytogenetic location: 13q13.1.
Variant type: single nucleotide variant.
Coding change: c.5006T>C on transcript NM_000059.4 (MANE Select); coding-DNA position 5006, T replaced by C.
Protein change: p.Leu1669Ser; replaces leucine 1669 with serine.
Molecular consequence: missense variant. On other transcripts: non-coding transcript variant (1), intron variant (2).
Genome position (GRCh38, 1-based): chr13:32,339,361, T>C. VCF-style: chr13-32339361-T-C. GRCh37 (hg19) VCF-style: chr13-32913498-T-C.
Other names: c.5006T>C, p.Leu1669Ser (NM_001406719.1, NM_001406720.1, NM_001432077.1); c.1910-5197T>C (NM_001406721.1); c.425-5197T>C (NM_001406722.1); short protein forms L1669S.
Identifiers: ClinVar variation 3992806 (VCV003992806.1).
Genomic context (GRCh38, chr13:32,339,361, plus strand): 5'-AAAGTCCTGCAACTTGTTACACAAATCAGTCCCCTTATTCAGTCATTGAAAATTCAGCCT[T>C]AGCTTTTTACACAAGTTGTAGTAGAAAAACTTCTGTGAGTCAGACTTCATTACTTGAAGC-3'
Protein context (NP_000050.3, residues 1659-1679): SPYSVIENSA[Leu1669Ser]AFYTSCSRKT